The following is an entry in ClinVar:

ClinVar aggregate classification (germline): Uncertain significance (1 of 4 stars; one submission).

Allele frequency attached by ClinVar (database versions not stated): TOPMed 0.00001; gnomAD 0.00003.
gnomAD v4.1: 4 of 1,613,632 alleles (0.00025%); highest among the groups gnomAD compares: African/African-American, 0.0053%; no homozygotes.

Submission:

Labcorp Genetics (formerly Invitae), Labcorp
Classification: Uncertain significance. Last evaluated: 2021-06-18. Review status: criteria provided, single submitter. Criteria: Invitae Variant Classification Sherloc (09022015). Collection method: clinical testing. Allele origin: germline.
Comment: This sequence change replaces asparagine with serine at codon 116 of the C8A protein (p.Asn116Ser). The asparagine residue is highly conserved and there is a small physicochemical difference between asparagine and serine. This variant is not present in population databases (ExAC no frequency). This variant has not been reported in the literature in individuals with C8A-related conditions. Algorithms developed to predict the effect of missense changes on protein structure and function (SIFT, PolyPhen-2, Align-GVGD) all suggest that this variant is likely to be disruptive, but these predictions have not been confirmed by published functional studies and their clinical significance is uncertain. Algorithms developed to predict the effect of sequence changes on RNA splicing suggest that this variant may create or strengthen a splice site, but this prediction has not been confirmed by published transcriptional studies. In summary, the available evidence is currently insufficient to determine the role of this variant in disease. Therefore, it has been classified as a Variant of Uncertain Significance.

NM_000562.3(C8A):c.347A>G (p.Asn116Ser)

Gene: C8A (complement C8 alpha chain; plus strand). Cytogenetic location: 1p32.2.
Variant type: single nucleotide variant.
Coding change: c.347A>G on transcript NM_000562.3 (MANE Select); coding-DNA position 347, A replaced by G.
Protein change: p.Asn116Ser; replaces asparagine 116 with serine.
Molecular consequence: missense variant.
Genome position (GRCh38, 1-based): chr1:56,876,092, A>G. VCF-style: chr1-56876092-A-G. GRCh37 (hg19) VCF-style: chr1-57341765-A-G.
Other names: short protein forms N116S.
Identifiers: ClinVar variation 1362266 (VCV001362266.7), dbSNP rs562746756, ClinGen allele CA340513178.